The following is an entry in ClinVar:

ClinVar aggregate classification (germline): Uncertain significance. Review status: criteria provided, multiple submitters, no conflicts (2 of 4 stars). 2 submissions from 2 submitters: Uncertain significance (2). Last evaluated 2022-10-13.

Conditions:
Hereditary cancer-predisposing syndrome. Also called: Neoplastic Syndromes, Hereditary; Hereditary Cancer Syndrome; Tumor predisposition; Hereditary neoplastic syndrome. Identifiers: Orphanet 140162, MedGen C0027672, MeSH D009386, MONDO:0015356.

Submissions (2):

Labcorp Genetics (formerly Invitae), Labcorp
Classification: Uncertain significance for Hereditary cancer-predisposing syndrome. Last evaluated: 2022-10-13. Review status: criteria provided, single submitter. Criteria: Invitae Variant Classification Sherloc (09022015). Collection method: clinical testing. Allele origin: germline.
Comment: In summary, the available evidence is currently insufficient to determine the role of this variant in disease. Therefore, it has been classified as a Variant of Uncertain Significance. Advanced modeling of protein sequence and biophysical properties (such as structural, functional, and spatial information, amino acid conservation, physicochemical variation, residue mobility, and thermodynamic stability) performed at Invitae indicates that this missense variant is not expected to disrupt RAD50 protein function. ClinVar contains an entry for this variant (Variation ID: 582915). This variant has not been reported in the literature in individuals affected with RAD50-related conditions. This variant is present in population databases (no rsID available, gnomAD 0.01%). This sequence change replaces arginine, which is basic and polar, with serine, which is neutral and polar, at codon 486 of the RAD50 protein (p.Arg486Ser).

Ambry Genetics
Classification: Uncertain significance for Hereditary cancer-predisposing syndrome. Last evaluated: 2022-02-02. Review status: criteria provided, single submitter. Criteria: Ambry Variant Classification Scheme 2023. Collection method: clinical testing. Allele origin: germline.
Comment: The p.R486S variant (also known as c.1456C>A), located in coding exon 10 of the RAD50 gene, results from a C to A substitution at nucleotide position 1456. The arginine at codon 486 is replaced by serine, an amino acid with dissimilar properties. This amino acid position is not well conserved in available vertebrate species. In addition, this alteration is predicted to be tolerated by in silico analysis. Since supporting evidence is limited at this time, the clinical significance of this alteration remains unclear.

NM_005732.4(RAD50):c.1456C>A (p.Arg486Ser)

Gene: RAD50 (RAD50 double strand break repair protein; plus strand). Cytogenetic location: 5q31.1.
Variant type: single nucleotide variant.
Coding change: c.1456C>A on transcript NM_005732.4 (MANE Select); coding-DNA position 1456, C replaced by A.
Protein change: p.Arg486Ser; replaces arginine 486 with serine.
Molecular consequence: missense variant.
Genome position (GRCh38, 1-based): chr5:132,591,227, C>A. VCF-style: chr5-132591227-C-A. GRCh37 (hg19) VCF-style: chr5-131926919-C-A.
Other names: short protein forms R486S.
Identifiers: ClinVar variation 582915 (VCV000582915.11), dbSNP rs375218200, ClinGen allele CA360945426.